The following is an entry in ClinVar:

NM_001329556.3(REEP6):c.598C>T (p.Leu200Phe)

Gene: REEP6 (receptor accessory protein 6; plus strand). Cytogenetic location: 19p13.3.
Variant type: single nucleotide variant.
Coding change: c.598C>T on transcript NM_001329556.3 (MANE Plus Clinical); coding-DNA position 598, C replaced by T.
Protein change: p.Leu200Phe; replaces leucine 200 with phenylalanine.
Molecular consequence: missense variant. On other transcripts: intron variant (1).
Genome position (GRCh38, 1-based): chr19:1,496,671, C>T. VCF-style: chr19-1496671-C-T. GRCh37 (hg19) VCF-style: chr19-1496670-C-T.
Other names: c.517+218C>T (NM_138393.4); short protein forms L200F.
Identifiers: ClinVar variation 1497824 (VCV001497824.3), dbSNP rs776715163, ClinGen allele CA9047652.

ClinVar aggregate classification (germline): Uncertain significance (1 of 4 stars; one submission).

Allele frequency attached by ClinVar (database versions not stated): gnomAD exomes 0.00002 and 0.00009; gnomAD 0.00003; TOPMed 0.00006.

Submission:

Labcorp Genetics (formerly Invitae), Labcorp
Classification: Uncertain significance. Last evaluated: 2021-05-06. Review status: criteria provided, single submitter. Criteria: Invitae Variant Classification Sherloc (09022015). Collection method: clinical testing. Allele origin: germline.
Comment: This sequence change replaces leucine with phenylalanine at codon 200 of the REEP6 protein (p.Leu200Phe). The leucine residue is weakly conserved and there is a small physicochemical difference between leucine and phenylalanine. The frequency data for this variant in the population databases is considered unreliable, as metrics indicate poor data quality at this position in the ExAC database. This variant has not been reported in the literature in individuals with REEP6-related conditions. Algorithms developed to predict the effect of sequence changes on RNA splicing suggest that this variant may disrupt the consensus splice site, but this prediction has not been confirmed by published transcriptional studies. In summary, the available evidence is currently insufficient to determine the role of this variant in disease. Therefore, it has been classified as a Variant of Uncertain Significance.